The following is an entry in ClinVar:

ClinVar aggregate classification (germline): Pathogenic (1 of 4 stars; one submission).

Submission:

Labcorp Genetics (formerly Invitae), Labcorp
Classification: Pathogenic. Last evaluated: 2026-01-26. Review status: criteria provided, single submitter. Criteria: Invitae Variant Classification Sherloc (09022015). Collection method: clinical testing. Allele origin: germline.
Comment: This sequence change creates a premature translational stop signal (p.Asn1012*) in the FAT4 gene. It is expected to result in an absent or disrupted protein product. Loss-of-function variants in FAT4 are known to be pathogenic (PMID: 24056717, 24913602). This variant is not present in population databases (gnomAD no frequency). This variant has not been reported in the literature in individuals affected with FAT4-related conditions. For these reasons, this variant has been classified as Pathogenic.

Literature cited by the submitters: PubMed 24056717; PubMed 24913602.

NM_001291303.3(FAT4):c.3032_3033dup (p.Asn1012Ter)

Gene: FAT4 (FAT atypical cadherin 4; plus strand). Cytogenetic location: 4q28.1.
Variant type: Microsatellite.
Coding change: c.3032_3033dup on transcript NM_001291303.3 (MANE Select); coding-DNA positions 3032 to 3033, 2 bases duplicated (TG; older notation c.3032_3033dupTG).
Protein change: p.Asn1012Ter; replaces asparagine 1012 with a stop codon.
Molecular consequence: nonsense. On other transcripts: intron variant (1).
Genome position (GRCh38, 1-based): chr4:125,319,443-125,319,444, TG duplicated; duplicating any 2 consecutive bases within chr4:125,319,441-125,319,444 gives the same sequence; the c. name uses the placement nearest the transcript's 3' end. VCF-style (leftmost placement, unchanged base first): chr4-125319440-C-CTG. GRCh37 (hg19) VCF-style: chr4-126240595-C-CTG.
Other names: c.3032_3033dup, p.Asn1012Ter (NM_001291285.3, NM_001438396.1, NM_001438397.1 and 1 more transcripts); c.-55+3464TG[3] (NM_001437895.1); short protein forms N1012*.
Identifiers: ClinVar variation 4736177 (VCV004736177.1).